The following is an entry in ClinVar:

ClinVar aggregate classification (germline): Likely benign (1 of 4 stars; one submission).

gnomAD v4.1: 291 of 1,613,882 alleles (0.018%); highest among the groups gnomAD compares: Middle Eastern, 0.57%; no homozygotes.

Submission:

Mayo Clinic Laboratories, Mayo Clinic
Classification: Likely benign. Last evaluated: 2025-04-10. Review status: criteria provided, single submitter. Criteria: ACMG Guidelines, 2015. Collection method: clinical testing. Allele origin: germline. Observed: 2 variant alleles.
Comment: BP4, BP7

NM_182760.4(SUMF1):c.*4C>T

Gene: SUMF1 (sulfatase modifying factor 1; minus strand). Cytogenetic location: 3p26.1.
Variant type: single nucleotide variant.
Coding change: c.*4C>T on transcript NM_182760.4 (MANE Select); 4 bases downstream of the stop codon, C replaced by T.
Molecular consequence: 3 prime UTR variant.
Genome position (GRCh38, 1-based): chr3:4,362,140, G>A on the plus strand (C>T on the coding strand, the complement: SUMF1 is on the minus strand). VCF-style: chr3-4362140-G-A. GRCh37 (hg19) VCF-style: chr3-4403824-G-A.
Other names: c.*4C>T (NM_001164674.2, NM_001164675.2).
Identifiers: ClinVar variation 4684672 (VCV004684672.1).